The following is an entry in ClinVar:

ClinVar aggregate classification (germline): Uncertain significance (1 of 4 stars; one submission).

Submission:

Labcorp Genetics (formerly Invitae), Labcorp
Classification: Uncertain significance. Last evaluated: 2022-10-26. Review status: criteria provided, single submitter. Criteria: Invitae Variant Classification Sherloc (09022015). Collection method: clinical testing. Allele origin: germline.
Comment: This sequence change replaces cysteine, which is neutral and slightly polar, with glycine, which is neutral and non-polar, at codon 166 of the MSH3 protein (p.Cys166Gly). This variant is not present in population databases (gnomAD no frequency). This variant has not been reported in the literature in individuals affected with MSH3-related conditions. Algorithms developed to predict the effect of missense changes on protein structure and function are either unavailable or do not agree on the potential impact of this missense change (SIFT: "Tolerated"; PolyPhen-2: "Possibly Damaging"; Align-GVGD: "Class C0"). Algorithms developed to predict the effect of sequence changes on RNA splicing suggest that this variant may create or strengthen a splice site. In summary, the available evidence is currently insufficient to determine the role of this variant in disease. Therefore, it has been classified as a Variant of Uncertain Significance.

NM_002439.5(MSH3):c.496T>G (p.Cys166Gly)

Gene: MSH3 (mutS homolog 3; plus strand). Cytogenetic location: 5q14.1.
Variant type: single nucleotide variant.
Coding change: c.496T>G on transcript NM_002439.5 (MANE Select); coding-DNA position 496, T replaced by G.
Protein change: p.Cys166Gly; replaces cysteine 166 with glycine.
Molecular consequence: missense variant.
Genome position (GRCh38, 1-based): chr5:80,665,280, T>G. VCF-style: chr5-80665280-T-G. GRCh37 (hg19) VCF-style: chr5-79961099-T-G.
Other names: short protein forms C166G.
Identifiers: ClinVar variation 2163462 (VCV002163462.4), dbSNP rs1221411800, ClinGen allele CA360263917.